The following is an entry in ClinVar:

NM_001118887.2(ANGPT2):c.139C>T (p.Leu47=)

Genes: ANGPT2 (angiopoietin 2; minus strand), MCPH1 (microcephalin 1; plus strand). Cytogenetic location: 8p23.1.
Variant type: single nucleotide variant.
Coding change: c.139C>T on transcript NM_001118887.2 (MANE Select); coding-DNA position 139, C replaced by T.
Protein change: p.Leu47=; no amino-acid change (leucine 47 retained).
Molecular consequence: synonymous variant. On other transcripts: intron variant (5).
Genome position (GRCh38, 1-based): chr8:6,562,796, G>A on the plus strand (C>T on the coding strand, the complement: ANGPT2 is on the minus strand). VCF-style: chr8-6562796-G-A. GRCh37 (hg19) VCF-style: chr8-6420317-G-A.
Other names: c.139C>T, p.Leu47= (NM_001118888.2, NM_001147.3, NM_001386335.1 and 2 more transcripts); c.2215-58658G>A (NM_001322042.2, NM_024596.5, NM_001363979.1 and 1 more transcripts); c.1936-58658G>A (NM_001363980.2).
Identifiers: ClinVar variation 3046197 (VCV003046197.2), dbSNP rs772939526, ClinGen allele CA4611405.
Genomic context (GRCh38, chr8:6,562,796, plus strand): 5'-TCTGCACAGCATTGGACACGTAGGGGCTGGAGGAAGAGCGGCAGTTGTCCATCTCTGGCA[G>A]GAGGAAAGTGTAGCTGCAGGACCCATGCTGGACCTGATATTGCTTCTTTCCTATGCTGTC-3'
Protein context (NP_001112359.1, residues 37-57): QHGSCSYTFL[Leu47=]PEMDNCRSSS

ClinVar aggregate classification (germline): Likely benign (0 of 4 stars; one submission).

Conditions:
ANGPT2-related disorder. Also called: ANGPT2-related condition.

Allele frequency attached by ClinVar (database versions not stated): gnomAD exomes below 0.00001; ExAC 0.00001; TOPMed 0.00001.
gnomAD v4.1: 1 of 1,613,718 alleles (0.000062%); highest among the groups gnomAD compares: Admixed American, 0.0017%; no homozygotes.

Submission:

PreventionGenetics, part of Exact Sciences
Classification: Likely benign for ANGPT2-related condition. Last evaluated: 2022-11-08. Review status: no assertion criteria provided. Collection method: clinical testing. Allele origin: germline.
Comment: This variant is classified as likely benign based on ACMG/AMP sequence variant interpretation guidelines (Richards et al. 2015 PMID: 25741868, with internal and published modifications).